The following is an entry in ClinVar:

NM_175614.5(NDUFA11):c.116A>G (p.Tyr39Cys)

Gene: NDUFA11 (NADH:ubiquinone oxidoreductase subunit A11; minus strand). Cytogenetic location: 19p13.3.
Variant type: single nucleotide variant.
Coding change: c.116A>G on transcript NM_175614.5 (MANE Select); coding-DNA position 116, A replaced by G.
Protein change: p.Tyr39Cys; replaces tyrosine 39 with cysteine.
Molecular consequence: missense variant. On other transcripts: non-coding transcript variant (1).
Genome position (GRCh38, 1-based): chr19:5,896,979, T>C on the plus strand (A>G on the coding strand, the complement: NDUFA11 is on the minus strand). VCF-style: chr19-5896979-T-C. GRCh37 (hg19) VCF-style: chr19-5896990-T-C.
Other names: c.116A>G, p.Tyr39Cys (NM_001193375.3); short protein forms Y39C.
Identifiers: ClinVar variation 1047353 (VCV001047353.8), dbSNP rs2057614080, ClinGen allele CA403541369.
Genomic context (GRCh38, chr19:5,896,979, plus strand): 5'-TATTGTCCAACCTTAGCCACTCCTTCAAGGAAGGTGCCCGGAGGATTGAGTGTGACTCTG[T>C]AGGCAGCGGCGGTCAGGCCTGCGAGACAGAGGAGGGAGGCTGTTCAGACCCCACTGCTGC-3'
Protein context (NP_783313.1, residues 29-49): ASVAGLTAAA[Tyr39Cys]RVTLNPPGTF

ClinVar aggregate classification (germline): Uncertain significance (1 of 4 stars; one submission).

Allele frequency attached by ClinVar (database versions not stated): gnomAD exomes below 0.00001.
gnomAD v4.1: 2 of 1,614,114 alleles (0.00012%); highest among the groups gnomAD compares: Non-Finnish European, 0.00017%; no homozygotes.

Submission:

Labcorp Genetics (formerly Invitae), Labcorp
Classification: Uncertain significance. Last evaluated: 2017-12-06. Review status: criteria provided, single submitter. Criteria: Invitae Variant Classification Sherloc (09022015). Collection method: clinical testing. Allele origin: germline.
Comment: This sequence change replaces tyrosine with cysteine at codon 39 of the NDUFA11 protein (p.Tyr39Cys). The tyrosine residue is highly conserved and there is a large physicochemical difference between tyrosine and cysteine. This variant is not present in population databases (ExAC no frequency). In summary, the available evidence is currently insufficient to determine the role of this variant in disease. Therefore, it has been classified as a Variant of Uncertain Significance. Algorithms developed to predict the effect of missense changes on protein structure and function (SIFT, PolyPhen-2, Align-GVGD) all suggest that this variant is likely to be disruptive, but these predictions have not been confirmed by published functional studies and their clinical significance is uncertain. This variant has not been reported in the literature in individuals with NDUFA11-related disease.